The following is an entry in ClinVar:

NM_001379403.1(WDR26):c.178TCC[6] (p.Ser66_Ser67del)

Gene: WDR26 (WD repeat domain 26; minus strand). Cytogenetic location: 1q42.12.
Variant type: Microsatellite.
Coding change: c.178TCC[6] on transcript NM_001379403.1 (MANE Select); six copies in a row of the 3-base unit TCC starting at c.178; the reference has eight copies in a row; two copies, 6 bases deleted.
Protein change: p.Ser66_Ser67del.
Molecular consequence: inframe deletion. On other transcripts: 5 prime UTR variant (2).
Genome position (GRCh38, 1-based): chr1:224,434,205-224,434,210, GGAGGA deleted on the plus strand (TCCTCC on the coding strand, the reverse complement: WDR26 is on the minus strand); deleting any 6 consecutive bases within chr1:224,434,205-224,434,228 gives the same sequence; the position shown is the placement nearest the transcript's 3' end. VCF-style (leftmost placement, unchanged base first): chr1-224434204-CGGAGGA-C. GRCh37 (hg19) VCF-style: chr1-224621906-CGGAGGA-C.
Other names: c.-123TCC[6] (NM_001115113.3, NM_025160.7).
Identifiers: ClinVar variation 2639935 (VCV002639935.24), dbSNP rs144531645, ClinGen allele CA38747757.

ClinVar aggregate classification (germline): Benign (1 of 4 stars; one submission).

Submission:

CeGaT Center for Human Genetics Tuebingen
Classification: Benign. Last evaluated: 2025-02-01. Review status: criteria provided, single submitter. Criteria: CeGaT Center For Human Genetics Tuebingen Variant Classification Criteria Version 2. Collection method: clinical testing. Allele origin: germline. Affected: yes. Observed: 3 variant alleles.
Comment: WDR26: BS1, BS2